The following is an entry in ClinVar:

ClinVar aggregate classification (germline): Uncertain significance (1 of 4 stars; one submission).

Submission:

Labcorp Genetics (formerly Invitae), Labcorp
Classification: Uncertain significance. Last evaluated: 2023-10-03. Review status: criteria provided, single submitter. Criteria: Invitae Variant Classification Sherloc (09022015). Collection method: clinical testing. Allele origin: germline.
Comment: This sequence change affects codon 875 of the MAGEL2 mRNA. It is a 'silent' change, meaning that it does not change the encoded amino acid sequence of the MAGEL2 protein. This variant is present in population databases (no rsID available, gnomAD 0.01%). This variant has not been reported in the literature in individuals affected with MAGEL2-related conditions. ClinVar contains an entry for this variant (Variation ID: 1995487). Experimental studies and prediction algorithms are not available or were not evaluated, and the effect of this variant on mRNA splicing is currently unknown. In summary, the available evidence is currently insufficient to determine the role of this variant in disease. Therefore, it has been classified as a Variant of Uncertain Significance.

NM_019066.5(MAGEL2):c.2625C>G (p.Ser875=)

Gene: MAGEL2 (MAGE family member L2; minus strand). Cytogenetic location: 15q11.2.
Variant type: single nucleotide variant.
Coding change: c.2625C>G on transcript NM_019066.5 (MANE Select); coding-DNA position 2625, C replaced by G.
Protein change: p.Ser875=; no amino-acid change (serine 875 retained).
Molecular consequence: synonymous variant.
Genome position (GRCh38, 1-based): chr15:23,645,118, G>C on the plus strand (C>G on the coding strand, the complement: MAGEL2 is on the minus strand). VCF-style: chr15-23645118-G-C. GRCh37 (hg19) VCF-style: chr15-23890265-G-C.
Identifiers: ClinVar variation 1995487 (VCV001995487.4), dbSNP rs1204239959, ClinGen allele CA489228797.